The following is an entry in ClinVar:

NM_000138.5(FBN1):c.4235T>C (p.Leu1412Pro)

Genes: FBN1 (fibrillin 1; minus strand), LOC126862124 (CDK7 strongly-dependent group 2 enhancer GRCh37_chr15:48764566-48765765; plus strand). Cytogenetic location: 15q21.1.
Variant type: single nucleotide variant.
Coding change: c.4235T>C on transcript NM_000138.5 (MANE Select); coding-DNA position 4235, T replaced by C.
Protein change: p.Leu1412Pro; replaces leucine 1412 with proline.
Molecular consequence: missense variant.
Genome position (GRCh38, 1-based): chr15:48,472,652, A>G on the plus strand (T>C on the coding strand, the complement: FBN1 is on the minus strand). VCF-style: chr15-48472652-A-G. GRCh37 (hg19) VCF-style: chr15-48764849-A-G.
Other names: c.4235T>C, p.Leu1412Pro (NM_001406716.1); short protein forms L1412P.
Identifiers: ClinVar variation 2506810 (VCV002506810.2), dbSNP rs1394943800, ClinGen allele CA392318040.

ClinVar aggregate classification (germline): Uncertain significance. Review status: criteria provided, multiple submitters, no conflicts (2 of 4 stars). 2 submissions from 2 submitters: Uncertain significance (2). Last evaluated 2024-05-09.

Conditions:
Marfan syndrome (MFS). Also called: MARFAN SYNDROME, TYPE I; FBN1-Related Marfan Syndrome; Marfan syndrome type 1; Marfan's syndrome; Marfan syndrome, classic. Identifiers: Orphanet 284963, Orphanet 558, MedGen C0024796, MONDO:0007947, OMIM 154700.

Allele frequency attached by ClinVar (database versions not stated): gnomAD exomes below 0.00001.
gnomAD v4.1: 1 of 1,614,144 alleles (0.000062%); highest among the groups gnomAD compares: Admixed American, 0.0017%; no homozygotes.

Submissions (2):

All of Us Research Program, National Institutes of Health
Classification: Uncertain significance for Marfan syndrome. Last evaluated: 2024-05-09. Review status: criteria provided, single submitter. Criteria: ACMG Guidelines, 2015. Collection method: clinical testing. Allele origin: germline. Inheritance: Autosomal dominant inheritance. Observed: 1 variant allele, 1 heterozygote.
Comment: This study involves interpretation of variants in research participants for the purpose of population health screening. Participant phenotype was not available at the time of variant classification. Additional details can be found in publication PMID: 35346344, PMCID: PMC8962531

GeneDx
Classification: Uncertain significance. Last evaluated: 2022-12-20. Review status: criteria provided, single submitter. Criteria: GeneDx Variant Classification Process June 2021. Collection method: clinical testing. Allele origin: germline. Affected: yes.
Comment: Has not been previously published as pathogenic or benign to our knowledge; Not observed at significant frequency in large population cohorts (gnomAD); Although located in a calcium-binding EGF-like domain of the FBN1 gene, it does not affect a cysteine residue within this domain; cysteine substitutions in the calcium-binding EGF-like domains represent the majority of pathogenic missense changes associated with FBN1-related disorders (Collod-Beroud et al., 2003); In silico analysis supports that this missense variant does not alter protein structure/function